The following is an entry in ClinVar:

NM_001903.5(CTNNA1):c.2680G>C (p.Val894Leu)

Gene: CTNNA1 (catenin alpha 1; plus strand). Cytogenetic location: 5q31.2.
Variant type: single nucleotide variant.
Coding change: c.2680G>C on transcript NM_001903.5 (MANE Select); coding-DNA position 2680, G replaced by C.
Protein change: p.Val894Leu; replaces valine 894 with leucine.
Molecular consequence: missense variant. On other transcripts: 3 prime UTR variant (5).
Genome position (GRCh38, 1-based): chr5:138,934,048, G>C. VCF-style: chr5-138934048-G-C. GRCh37 (hg19) VCF-style: chr5-138269737-G-C.
Other names: c.*225G>C (NM_001290307.3, NM_001324002.1, NM_001324003.1 and 2 more transcripts); c.2371G>C, p.Val791Leu (NM_001290309.3); c.2311G>C, p.Val771Leu (NM_001290310.3); c.1570G>C, p.Val524Leu (NM_001290312.1, NM_001323987.1, NM_001323988.1 and 12 more transcripts); c.2680G>C, p.Val894Leu (NM_001323982.2, NM_001323983.1, NM_001323984.2); c.2653G>C, p.Val885Leu (NM_001323985.2); c.2587G>C, p.Val863Leu (NM_001323986.2); c.1435G>C, p.Val479Leu (NM_001324001.1); and 3 more; short protein forms V479L, V791L, V894L, V443L, V411L, V524L, V863L, V885L.
Identifiers: ClinVar variation 1363149 (VCV001363149.8), dbSNP rs2150360336, ClinGen allele CA361135757.

ClinVar aggregate classification (germline): Uncertain significance (1 of 4 stars; one submission).

Submission:

Labcorp Genetics (formerly Invitae), Labcorp
Classification: Uncertain significance. Last evaluated: 2021-03-02. Review status: criteria provided, single submitter. Criteria: Invitae Variant Classification Sherloc (09022015). Collection method: clinical testing. Allele origin: germline.
Comment: In summary, the available evidence is currently insufficient to determine the role of this variant in disease. Therefore, it has been classified as a Variant of Uncertain Significance. Algorithms developed to predict the effect of missense changes on protein structure and function are either unavailable or do not agree on the potential impact of this missense change (SIFT: "Deleterious"; PolyPhen-2: "Benign"; Align-GVGD: "Class C0"). This variant has not been reported in the literature in individuals with CTNNA1-related conditions. This variant is not present in population databases (ExAC no frequency). This sequence change replaces valine with leucine at codon 894 of the CTNNA1 protein (p.Val894Leu). The valine residue is highly conserved and there is a small physicochemical difference between valine and leucine.